The following is an entry in ClinVar:

ClinVar aggregate classification (germline): Uncertain significance (1 of 4 stars; one submission).

Submission:

GeneDx
Classification: Uncertain significance. Last evaluated: 2024-11-11. Review status: criteria provided, single submitter. Criteria: GeneDx Variant Classification Process June 2021. Collection method: clinical testing. Allele origin: germline. Affected: yes.
Comment: Not observed at significant frequency in large population cohorts (gnomAD); In silico analysis supports that this missense variant has a deleterious effect on protein structure/function; Has not been previously published as pathogenic or benign to our knowledge

NM_014975.3(MAST1):c.443G>T (p.Gly148Val)

Gene: MAST1 (microtubule associated serine/threonine kinase 1; plus strand). Cytogenetic location: 19p13.13.
Variant type: single nucleotide variant.
Coding change: c.443G>T on transcript NM_014975.3 (MANE Select); coding-DNA position 443, G replaced by T.
Protein change: p.Gly148Val; replaces glycine 148 with valine.
Molecular consequence: missense variant.
Genome position (GRCh38, 1-based): chr19:12,847,405, G>T. VCF-style: chr19-12847405-G-T. GRCh37 (hg19) VCF-style: chr19-12958219-G-T.
Other names: short protein forms G148V.
Identifiers: ClinVar variation 3899162 (VCV003899162.1).